The following is an entry in ClinVar:

ClinVar aggregate classification (germline): Uncertain significance (1 of 4 stars; one submission).

Submission:

Labcorp Genetics (formerly Invitae), Labcorp
Classification: Uncertain significance. Last evaluated: 2025-09-27. Review status: criteria provided, single submitter. Criteria: Invitae Variant Classification Sherloc (09022015). Collection method: clinical testing. Allele origin: germline.
Comment: This sequence change replaces glutamic acid, which is acidic and polar, with alanine, which is neutral and non-polar, at codon 415 of the CTNNA1 protein (p.Glu415Ala). This variant is not present in population databases (gnomAD no frequency). This variant has not been reported in the literature in individuals affected with CTNNA1-related conditions. Invitae Evidence Modeling of protein sequence and biophysical properties (such as structural, functional, and spatial information, amino acid conservation, physicochemical variation, residue mobility, and thermodynamic stability) indicates that this missense variant is not expected to disrupt CTNNA1 protein function with a negative predictive value of 80%. In summary, the available evidence is currently insufficient to determine the role of this variant in disease. Therefore, it has been classified as a Variant of Uncertain Significance.

NM_001903.5(CTNNA1):c.1244A>C (p.Glu415Ala)

Gene: CTNNA1 (catenin alpha 1; plus strand). Cytogenetic location: 5q31.2.
Variant type: single nucleotide variant.
Coding change: c.1244A>C on transcript NM_001903.5 (MANE Select); coding-DNA position 1244, A replaced by C.
Protein change: p.Glu415Ala; replaces glutamic acid 415 with alanine.
Molecular consequence: missense variant. On other transcripts: 5 prime UTR variant (5), intron variant (2).
Genome position (GRCh38, 1-based): chr5:138,887,590, A>C. VCF-style: chr5-138887590-A-C. GRCh37 (hg19) VCF-style: chr5-138223279-A-C.
Other names: c.1244A>C, p.Glu415Ala (NM_001290307.3, NM_001323982.2, NM_001323983.1 and 3 more transcripts); c.935A>C, p.Glu312Ala (NM_001290309.3); c.875A>C, p.Glu292Ala (NM_001290310.3); c.134A>C, p.Glu45Ala (NM_001290312.1, NM_001323987.1, NM_001323988.1 and 18 more transcripts); c.-264A>C (NM_001324006.1, NM_001324007.1, NM_001324008.1 and 1 more transcripts); c.-139A>C (NM_001324013.1); c.-58+11993A>C (NM_001324012.1); c.-61+11993A>C (NM_001324010.1); short protein forms E292A, E312A, E415A, E45A.
Identifiers: ClinVar variation 4798337 (VCV004798337.1).